The following is an entry in ClinVar:

NM_004279.3(PMPCB):c.355C>A (p.Leu119Met)

Gene: PMPCB (peptidase, mitochondrial processing subunit beta; plus strand). Cytogenetic location: 7q22.1.
Variant type: single nucleotide variant.
Coding change: c.355C>A on transcript NM_004279.3 (MANE Select); coding-DNA position 355, C replaced by A.
Protein change: p.Leu119Met; replaces leucine 119 with methionine.
Molecular consequence: missense variant.
Genome position (GRCh38, 1-based): chr7:103,300,205, C>A. VCF-style: chr7-103300205-C-A. GRCh37 (hg19) VCF-style: chr7-102940652-C-A.
Other names: c.355C>A (NM_004279.2); short protein forms L119M.
Identifiers: ClinVar variation 2075245 (VCV002075245.10), dbSNP rs202239518, ClinGen allele CA4417922.

ClinVar aggregate classification (germline): Uncertain significance. Review status: criteria provided, multiple submitters, no conflicts (2 of 4 stars). 3 submissions from 3 submitters: Uncertain significance (3). Last evaluated 2024-07-30.

Conditions:
Inborn genetic diseases. Identifiers: MedGen C0950123, MeSH D030342.
Multiple mitochondrial dysfunctions syndrome 6. Identifiers: Orphanet 569290, MedGen C4693741, MONDO:0054785, OMIM 617954.

Allele frequency attached by ClinVar (database versions not stated): ExAC 0.00009; ESP Exome Variant Server 0.00023; gnomAD 0.00015; TOPMed 0.00016; gnomAD exomes 0.00017.
gnomAD v4.1: 267 of 1,612,838 alleles (0.017%); highest among the groups gnomAD compares: Non-Finnish European, 0.022%; 1 homozygote.

Submissions (3):

Ambry Genetics
Classification: Uncertain significance for Inborn genetic diseases. Last evaluated: 2024-07-30. Review status: criteria provided, single submitter. Criteria: Ambry Variant Classification Scheme 2023. Collection method: clinical testing. Allele origin: germline.

Labcorp Genetics (formerly Invitae), Labcorp
Classification: Uncertain significance. Last evaluated: 2024-05-15. Review status: criteria provided, single submitter. Criteria: Invitae Variant Classification Sherloc (09022015). Collection method: clinical testing. Allele origin: germline.
Comment: This sequence change replaces leucine, which is neutral and non-polar, with methionine, which is neutral and non-polar, at codon 119 of the PMPCB protein (p.Leu119Met). This variant is present in population databases (rs202239518, gnomAD 0.02%). This variant has not been reported in the literature in individuals affected with PMPCB-related conditions. ClinVar contains an entry for this variant (Variation ID: 2075245). Advanced modeling of protein sequence and biophysical properties (such as structural, functional, and spatial information, amino acid conservation, physicochemical variation, residue mobility, and thermodynamic stability) performed at Invitae indicates that this missense variant is not expected to disrupt PMPCB protein function with a negative predictive value of 80%. In summary, the available evidence is currently insufficient to determine the role of this variant in disease. Therefore, it has been classified as a Variant of Uncertain Significance.

Laboratory of Inherited Metabolic Diseases, Research centre for medical genetics
Classification: Uncertain significance for Multiple mitochondrial dysfunctions syndrome 6. Last evaluated: 2023-01-31. Review status: criteria provided, single submitter. Criteria: ACMG Guidelines, 2015. Collection method: clinical testing. Allele origin: unknown. Inheritance: Autosomal recessive inheritance. Affected: yes. Observed: 1 variant allele.